The following is an entry in ClinVar:

NM_001252024.2(TRPM1):c.2008C>A (p.Leu670Ile)

Gene: TRPM1 (transient receptor potential cation channel subfamily M member 1; minus strand). Cytogenetic location: 15q13.3.
Variant type: single nucleotide variant.
Coding change: c.2008C>A on transcript NM_001252024.2 (MANE Select); coding-DNA position 2008, C replaced by A.
Protein change: p.Leu670Ile; replaces leucine 670 with isoleucine.
Molecular consequence: missense variant.
Genome position (GRCh38, 1-based): chr15:31,042,030, G>T on the plus strand (C>A on the coding strand, the complement: TRPM1 is on the minus strand). VCF-style: chr15-31042030-G-T. GRCh37 (hg19) VCF-style: chr15-31334233-G-T.
Other names: c.2059C>A, p.Leu687Ile (NM_001252020.2); c.1942C>A, p.Leu648Ile (NM_002420.6); short protein forms L648I, L670I, L687I.
Identifiers: ClinVar variation 1001084 (VCV001001084.6), dbSNP rs1481001026, ClinGen allele CA391511419.

ClinVar aggregate classification (germline): Uncertain significance (1 of 4 stars; one submission).

Allele frequency attached by ClinVar (database versions not stated): gnomAD exomes below 0.00001.
gnomAD v4.1: 1 of 1,614,206 alleles (0.000062%); highest among the groups gnomAD compares: Non-Finnish European, 0.000085%; no homozygotes.

Submission:

Labcorp Genetics (formerly Invitae), Labcorp
Classification: Uncertain significance. Last evaluated: 2020-06-16. Review status: criteria provided, single submitter. Criteria: Invitae Variant Classification Sherloc (09022015). Collection method: clinical testing. Allele origin: germline.
Comment: This sequence change replaces leucine with isoleucine at codon 648 of the TRPM1 protein (p.Leu648Ile). The leucine residue is highly conserved and there is a small physicochemical difference between leucine and isoleucine. This variant is not present in population databases (ExAC no frequency). This variant has not been reported in the literature in individuals with TRPM1-related conditions. Algorithms developed to predict the effect of missense changes on protein structure and function are either unavailable or do not agree on the potential impact of this missense change (SIFT: "Deleterious"; PolyPhen-2: "Probably Damaging"; Align-GVGD: "Class C0"). In summary, the available evidence is currently insufficient to determine the role of this variant in disease. Therefore, it has been classified as a Variant of Uncertain Significance.